The following is an entry in ClinVar:

NM_000419.5(ITGA2B):c.361C>T (p.Arg121Cys)

Gene: ITGA2B (integrin subunit alpha 2b; minus strand). Cytogenetic location: 17q21.31.
Variant type: single nucleotide variant.
Coding change: c.361C>T on transcript NM_000419.5 (MANE Select); coding-DNA position 361, C replaced by T.
Protein change: p.Arg121Cys; replaces arginine 121 with cysteine.
Molecular consequence: missense variant.
Genome position (GRCh38, 1-based): chr17:44,385,871, G>A on the plus strand (C>T on the coding strand, the complement: ITGA2B is on the minus strand). VCF-style: chr17-44385871-G-A. GRCh37 (hg19) VCF-style: chr17-42463239-G-A.
Other names: short protein forms R121C.
Identifiers: ClinVar variation 2878939 (VCV002878939.3), dbSNP rs2510085210, ClinGen allele CA399806167.
Genomic context (GRCh38, chr17:44,385,871, plus strand): 5'-CCGCGGGGCCCACCACAATGACGTCGCTCCAGCTGACGACCGACGCCCCCAGTCCTTGGC[G>A]GGCCTTGAAGGTTTGTAAAGTTTGGGAGCCTACATTTCGGGTCTCATCACCTGGAAGGCA-3'
Protein context (NP_000410.2, residues 111-131): GSQTLQTFKA[Arg121Cys]QGLGASVVSW

ClinVar aggregate classification (germline): Uncertain significance (1 of 4 stars; one submission).

Conditions:
Glanzmann thrombasthenia. Also called: BLEEDING DISORDER, PLATELET-TYPE, 2; THROMBASTHENIA OF GLANZMANN AND NAEGELI; PLATELET GLYCOPROTEIN IIb-IIIa DEFICIENCY; Thrombasthenia; Glanzmann's thrombasthenia. Identifiers: Orphanet 849, MedGen C0040015, MONDO:0100326.

gnomAD v4.1: 1 of 1,606,708 alleles (0.000062%); highest among the groups gnomAD compares: Non-Finnish European, 0.000085%; no homozygotes.

Submission:

Labcorp Genetics (formerly Invitae), Labcorp
Classification: Uncertain significance for Glanzmann thrombasthenia. Last evaluated: 2024-11-04. Review status: criteria provided, single submitter. Criteria: Invitae Variant Classification Sherloc (09022015). Collection method: clinical testing. Allele origin: germline.
Comment: This sequence change replaces arginine, which is basic and polar, with cysteine, which is neutral and slightly polar, at codon 121 of the ITGA2B protein (p.Arg121Cys). This variant is not present in population databases (gnomAD no frequency). This variant has not been reported in the literature in individuals affected with ITGA2B-related conditions. ClinVar contains an entry for this variant (Variation ID: 2878939). Invitae Evidence Modeling of protein sequence and biophysical properties (such as structural, functional, and spatial information, amino acid conservation, physicochemical variation, residue mobility, and thermodynamic stability) indicates that this missense variant is expected to disrupt ITGA2B protein function with a positive predictive value of 95%. In summary, the available evidence is currently insufficient to determine the role of this variant in disease. Therefore, it has been classified as a Variant of Uncertain Significance.